The following is an entry in ClinVar:

ClinVar aggregate classification (germline): Uncertain significance (1 of 4 stars; one submission).

Conditions:
Dilated cardiomyopathy 1II (CMD1II). Identifiers: Orphanet 154, MedGen C3554649, MONDO:0014073, OMIM 615184.

gnomAD v4.1: 1 of 1,614,006 alleles (0.000062%); highest among the groups gnomAD compares: African/African-American, 0.0013%; no homozygotes.

Submission:

Labcorp Genetics (formerly Invitae), Labcorp
Classification: Uncertain significance for Dilated cardiomyopathy 1II. Last evaluated: 2023-03-09. Review status: criteria provided, single submitter. Criteria: Invitae Variant Classification Sherloc (09022015). Collection method: clinical testing. Allele origin: germline.
Comment: In summary, the available evidence is currently insufficient to determine the role of this variant in disease. Therefore, it has been classified as a Variant of Uncertain Significance. An algorithm developed to predict the effect of missense changes on protein structure and function (PolyPhen-2) suggests that this variant is likely to be disruptive. This variant has not been reported in the literature in individuals affected with CRYAB-related conditions. This variant is present in population databases (no rsID available, gnomAD 0.007%). This sequence change replaces glycine, which is neutral and non-polar, with valine, which is neutral and non-polar, at codon 147 of the CRYAB protein (p.Gly147Val).

NM_001289808.2(CRYAB):c.440G>T (p.Gly147Val)

Gene: CRYAB (crystallin alpha B; minus strand). Cytogenetic location: 11q23.1.
Variant type: single nucleotide variant.
Coding change: c.440G>T on transcript NM_001289808.2 (MANE Select); coding-DNA position 440, G replaced by T.
Protein change: p.Gly147Val; replaces glycine 147 with valine.
Molecular consequence: missense variant.
Genome position (GRCh38, 1-based): chr11:111,908,852, C>A on the plus strand (G>T on the coding strand, the complement: CRYAB is on the minus strand). VCF-style: chr11-111908852-C-A. GRCh37 (hg19) VCF-style: chr11-111779576-C-A.
Other names: c.440G>T, p.Gly147Val (NM_001289807.1, NM_001368245.1, NM_001885.3); c.239G>T, p.Gly80Val (NM_001330379.1, NM_001368246.1); short protein forms G80V, G147V.
Identifiers: ClinVar variation 2986838 (VCV002986838.3), dbSNP rs782799100, ClinGen allele CA382595999.